The following is an entry in ClinVar:

NM_001330691.3(CEP78):c.493T>G (p.Leu165Val)

Gene: CEP78 (centrosomal protein 78; plus strand). Cytogenetic location: 9q21.2.
Variant type: single nucleotide variant.
Coding change: c.493T>G on transcript NM_001330691.3 (MANE Select); coding-DNA position 493, T replaced by G.
Protein change: p.Leu165Val; replaces leucine 165 with valine.
Molecular consequence: missense variant.
Genome position (GRCh38, 1-based): chr9:78,240,358, T>G. VCF-style: chr9-78240358-T-G. GRCh37 (hg19) VCF-style: chr9-80855274-T-G.
Other names: c.493T>G, p.Leu165Val (NM_001098802.3, NM_001330693.3, NM_001330694.2 and 4 more transcripts); short protein forms L165V.
Identifiers: ClinVar variation 2125110 (VCV002125110.4), dbSNP rs2489817546, ClinGen allele CA374000106.

ClinVar aggregate classification (germline): Uncertain significance (1 of 4 stars; one submission).

Submission:

Labcorp Genetics (formerly Invitae), Labcorp
Classification: Uncertain significance. Last evaluated: 2022-08-23. Review status: criteria provided, single submitter. Criteria: Invitae Variant Classification Sherloc (09022015). Collection method: clinical testing. Allele origin: germline.
Comment: In summary, the available evidence is currently insufficient to determine the role of this variant in disease. Therefore, it has been classified as a Variant of Uncertain Significance. Algorithms developed to predict the effect of missense changes on protein structure and function are either unavailable or do not agree on the potential impact of this missense change (SIFT: "Tolerated"; PolyPhen-2: "Probably Damaging"; Align-GVGD: "Class C0"). This variant has not been reported in the literature in individuals affected with CEP78-related conditions. This variant is not present in population databases (gnomAD no frequency). This sequence change replaces leucine, which is neutral and non-polar, with valine, which is neutral and non-polar, at codon 165 of the CEP78 protein (p.Leu165Val).